The following is an entry in ClinVar:

NM_001371904.1(APOA5):c.494G>C (p.Gly165Ala)

Gene: APOA5 (apolipoprotein A5; minus strand). Cytogenetic location: 11q23.3.
Variant type: single nucleotide variant.
Coding change: c.494G>C on transcript NM_001371904.1 (MANE Select); coding-DNA position 494, G replaced by C.
Protein change: p.Gly165Ala; replaces glycine 165 with alanine.
Molecular consequence: missense variant.
Genome position (GRCh38, 1-based): chr11:116,790,735, C>G on the plus strand (G>C on the coding strand, the complement: APOA5 is on the minus strand). VCF-style: chr11-116790735-C-G. GRCh37 (hg19) VCF-style: chr11-116661451-C-G.
Other names: c.494G>C, p.Gly165Ala (NM_001166598.2, NM_052968.5); short protein forms G165A.
Identifiers: ClinVar variation 978325 (VCV000978325.3), dbSNP rs1246031494, ClinGen allele CA382738292.

ClinVar aggregate classification (germline): Uncertain significance. Review status: criteria provided, single submitter (1 of 4 stars). 2 submissions from 2 submitters: Uncertain significance (1). 1 of the submissions does not count toward it. Last evaluated 2020-03-05.

Conditions:
APOA5-related disorder. Also called: APOA5-related condition.
Hyperlipoproteinemia, type I. Also called: Hyperlipoproteinemia type 1; Hyperchylomicro-nemia familial; Familial chylomicronemia; Hyperlipemia idiopathic Burger-Grutz type; Familial hyperlipo-proteinemia type 1; Hyperlipemia essential familial. Identifiers: Orphanet 309015, Orphanet 444490, MedGen C0023817, MONDO:0009387, OMIM 238600. Disease mechanism: loss of function.

Allele frequency attached by ClinVar (database versions not stated): gnomAD exomes below 0.00001; gnomAD 0.00001; TOPMed 0.00001.
gnomAD v4.1: 8 of 1,612,798 alleles (0.0005%); highest among the groups gnomAD compares: Non-Finnish European, 0.00059%; no homozygotes.

Submissions (2):

Molecular Diagnostic Laboratory for Inherited Cardiovascular Disease, Montreal Heart Institute
Classification: Uncertain significance for Hyperlipoproteinemia, type I. Last evaluated: 2020-03-05. Review status: criteria provided, single submitter. Criteria: ACMG Guidelines, 2015. Collection method: clinical testing. Allele origin: germline. Affected: yes.

PreventionGenetics, part of Exact Sciences
Classification: Uncertain significance for APOA5-related condition. Last evaluated: 2024-03-08. Review status: no assertion criteria provided. Collection method: clinical testing. Allele origin: germline. Not counted in ClinVar's aggregate classification.
Comment: The APOA5 c.494G>C variant is predicted to result in the amino acid substitution p.Gly165Ala. This variant has been reported in a cohort study with Chylomicronemia syndrome (D'Erasmo et al. 2019. PubMed ID: 31619059. Table S1). This variant has not been reported in a large population database, indicating this variant is rare. At this time, the clinical significance of this variant is uncertain due to the absence of conclusive functional and genetic evidence.